The following is an entry in ClinVar:

NM_002834.5(PTPN11):c.583G>A (p.Glu195Lys)

Gene: PTPN11 (protein tyrosine phosphatase non-receptor type 11; plus strand). Cytogenetic location: 12q24.13.
Variant type: single nucleotide variant.
Coding change: c.583G>A on transcript NM_002834.5 (MANE Select); coding-DNA position 583, G replaced by A.
Protein change: p.Glu195Lys; replaces glutamic acid 195 with lysine.
Molecular consequence: missense variant.
Genome position (GRCh38, 1-based): chr12:112,454,621, G>A. VCF-style: chr12-112454621-G-A. GRCh37 (hg19) VCF-style: chr12-112892425-G-A.
Other names: c.583G>A, p.Glu195Lys (NM_001330437.2, NM_080601.3); c.580G>A, p.Glu194Lys (NM_001374625.1); short protein forms E194K, E195K.
Identifiers: ClinVar variation 1519552 (VCV001519552.8), dbSNP rs1181200121, ClinGen allele CA386782408.

ClinVar aggregate classification (germline): Uncertain significance (1 of 4 stars; one submission).

Conditions:
RASopathy. Also called: rasopathies; Noonan spectrum disorder. Identifiers: Orphanet 536391, MedGen C5555857, MONDO:0021060.

Allele frequency attached by ClinVar (database versions not stated): gnomAD 0.00001; gnomAD exomes below 0.00001; TOPMed 0.00001.
gnomAD v4.1: 3 of 1,613,724 alleles (0.00019%); highest among the groups gnomAD compares: African/African-American, 0.0013%; no homozygotes.

Submission:

Labcorp Genetics (formerly Invitae), Labcorp
Classification: Uncertain significance for RASopathy. Last evaluated: 2025-04-18. Review status: criteria provided, single submitter. Criteria: Invitae Variant Classification Sherloc (09022015). Collection method: clinical testing. Allele origin: germline.
Comment: This sequence change replaces glutamic acid, which is acidic and polar, with lysine, which is basic and polar, at codon 195 of the PTPN11 protein (p.Glu195Lys). This variant is present in population databases (no rsID available, gnomAD 0.007%). This variant has not been reported in the literature in individuals affected with PTPN11-related conditions. ClinVar contains an entry for this variant (Variation ID: 1519552). Invitae Evidence Modeling of protein sequence and biophysical properties (such as structural, functional, and spatial information, amino acid conservation, physicochemical variation, residue mobility, and thermodynamic stability) has been performed for this missense variant. However, the output from this modeling did not meet the statistical confidence thresholds required to predict the impact of this variant on PTPN11 protein function. In summary, the available evidence is currently insufficient to determine the role of this variant in disease. Therefore, it has been classified as a Variant of Uncertain Significance.